The following is an entry in ClinVar:

ClinVar aggregate classification (germline): Uncertain significance (1 of 4 stars; one submission).

Allele frequency attached by ClinVar (database versions not stated): TOPMed below 0.00001; ExAC 0.00002; gnomAD exomes 0.00002.
gnomAD v4.1: 35 of 1,614,112 alleles (0.0022%); highest among the groups gnomAD compares: East Asian, 0.078%; no homozygotes.

Submission:

Labcorp Genetics (formerly Invitae), Labcorp
Classification: Uncertain significance. Last evaluated: 2022-11-01. Review status: criteria provided, single submitter. Criteria: Invitae Variant Classification Sherloc (09022015). Collection method: clinical testing. Allele origin: germline.
Comment: This variant has not been reported in the literature in individuals affected with VCAN-related conditions. This variant is present in population databases (rs781151320, gnomAD 0.01%). This sequence change replaces serine, which is neutral and polar, with glycine, which is neutral and non-polar, at codon 1758 of the VCAN protein (p.Ser1758Gly). In summary, the available evidence is currently insufficient to determine the role of this variant in disease. Therefore, it has been classified as a Variant of Uncertain Significance. Algorithms developed to predict the effect of missense changes on protein structure and function output the following: SIFT: "Deleterious"; PolyPhen-2: "Benign"; Align-GVGD: "Class C55". The glycine amino acid residue is found in multiple mammalian species, which suggests that this missense change does not adversely affect protein function.

NM_004385.5(VCAN):c.5272A>G (p.Ser1758Gly)

Genes: VCAN (versican; plus strand), VCAN-AS1 (VCAN antisense RNA 1; minus strand). Cytogenetic location: 5q14.3.
Variant type: single nucleotide variant.
Coding change: c.5272A>G on transcript NM_004385.5 (MANE Select); coding-DNA position 5272, A replaced by G.
Protein change: p.Ser1758Gly; replaces serine 1758 with glycine.
Molecular consequence: missense variant. On other transcripts: intron variant (2).
Genome position (GRCh38, 1-based): chr5:83,538,275, A>G. VCF-style: chr5-83538275-A-G. GRCh37 (hg19) VCF-style: chr5-82834094-A-G.
Other names: c.1043-7262A>G (NM_001126336.3); c.2311A>G, p.Ser771Gly (NM_001164097.2); c.4004-7262A>G (NM_001164098.2); short protein forms S771G, S1758G.
Identifiers: ClinVar variation 2113616 (VCV002113616.4), dbSNP rs781151320, ClinGen allele CA3333305.
Genomic context (GRCh38, chr5:83,538,275, plus strand): 5'-TTTGAGGTATATTCATCTACACAGAGATCGGATCAATTAATTTTACCCTTTGAATTAGAA[A>G]GTCCAAATGTAGCTACATCTAGTGATTCAGGTACCAGGAAAAGTTTTATGTCCTTGACAA-3'
Protein context (NP_004376.2, residues 1748-1768): DQLILPFELE[Ser1758Gly]PNVATSSDSG